The following is an entry in ClinVar:

ClinVar aggregate classification (germline): Uncertain significance (1 of 4 stars; one submission).

Submission:

GeneDx
Classification: Uncertain significance. Last evaluated: 2025-05-29. Review status: criteria provided, single submitter. Criteria: GeneDx Variant Classification Process June 2021. Collection method: clinical testing. Allele origin: germline. Affected: yes.
Comment: Not observed at significant frequency in large population cohorts (gnomAD); In silico analysis supports that this missense variant has a deleterious effect on protein structure/function; Has not been previously published as pathogenic or benign to our knowledge; This variant is associated with the following publications: (PMID: 25512093, 25609763, 26100331)

NM_001376.5(DYNC1H1):c.6794A>G (p.Tyr2265Cys)

Gene: DYNC1H1 (dynein cytoplasmic 1 heavy chain 1; plus strand). Cytogenetic location: 14q32.31.
Variant type: single nucleotide variant.
Coding change: c.6794A>G on transcript NM_001376.5 (MANE Select); coding-DNA position 6794, A replaced by G.
Protein change: p.Tyr2265Cys; replaces tyrosine 2265 with cysteine.
Molecular consequence: missense variant.
Genome position (GRCh38, 1-based): chr14:102,012,050, A>G. VCF-style: chr14-102012050-A-G. GRCh37 (hg19) VCF-style: chr14-102478387-A-G.
Other names: short protein forms Y2265C.
Identifiers: ClinVar variation 4532714 (VCV004532714.1).